The following is an entry in ClinVar:

ClinVar aggregate classification (germline): Pathogenic/Likely pathogenic. Review status: criteria provided, multiple submitters, no conflicts (2 of 4 stars). 16 submissions from 16 submitters: Pathogenic (8); Likely pathogenic (6). 2 of the submissions do not count toward it. Last evaluated 2026-09-30.

Conditions:
ABCA4-related disorder. Also called: ABCA4-related disorders; ABCA4-related condition. Identifiers: MedGen CN239167.
Severe early-childhood-onset retinal dystrophy (STGD1). Also called: MACULAR DYSTROPHY WITH FLECKS, TYPE 1; STGD; Stargardt macular dystrophy; Juvenile onset macular degeneration; Stargardt disease 1. Identifiers: Orphanet 364055, Orphanet 827, MedGen C1855465, MeSH D000080362, MONDO:0009549, OMIM 248200.
Retinitis pigmentosa 19 (RP19). Also called: ABCA4-Related Retinitis Pigmentosa. Identifiers: Orphanet 791, MedGen C1866422, MONDO:0011137, OMIM 601718.
Cone-rod dystrophy 3 (CORD3). Identifiers: Orphanet 1872, MedGen C1858806, MONDO:0011395, OMIM 604116.
Age related macular degeneration 2. Also called: MACULAR DEGENERATION, SENILE; MACULOPATHY, AGE-RELATED, 2; MACULOPATHY, AGE-RELATED. Identifiers: MedGen C3495438, MONDO:0007932, OMIM 153800.
Retinal dystrophy. Also called: Inherited retinal dystrophy. Identifiers: Orphanet 71862, MedGen C0854723, MeSH D058499, MONDO:0019118, HP:0000556.
Stargardt disease (FFM). Also called: Fundus flavimaculatus; Stargardt's disease. Identifiers: Orphanet 827, MedGen C0271093, MONDO:0019353.
Retinal disorder. Also called: Retinopathy; Retinal disorders; Retinopathies; Retinal Diseases. Identifiers: MedGen C0035309, MONDO:0005283, HP:0000488.

Allele frequency attached by ClinVar (database versions not stated): gnomAD exomes 0.00005 and 0.00018; gnomAD 0.00006 and 0.00009; TOPMed 0.00009; ExAC 0.00019; 1000 Genomes Project 30x 0.00031; 1000 Genomes Project 0.00040.
gnomAD v4.1: 108 of 1,613,844 alleles (0.0067%); highest among the groups gnomAD compares: East Asian, 0.065%; no homozygotes.

Submissions 1 to 11 of 16:

GeneDx
Classification: Likely pathogenic. Last evaluated: 2026-09-30. Review status: criteria provided, single submitter. Criteria: GeneDx Variant Classification Process June 2021. Collection method: clinical testing. Allele origin: germline.
Comment: In silico analysis supports that this missense variant has a deleterious effect on protein structure/function; This variant is associated with the following publications: (PMID: 23419329, 11726554, 27820952, 34426522, 29162642, 31180159, 31015497, 9973280, 33261146, 31980526, 32307445, 36672815, 38219857, 23953153, 38540785, 36335097, 38984108, 35120629, 31429209, 33301772, 38066771, 33608557, 40114034, 38892127, 40101946, 39127396, 40244202, 38309476)

Women's Health and Genetics/Laboratory Corporation of America, LabCorp
Classification: Pathogenic for Stargardt disease. Last evaluated: 2026-04-27. Review status: criteria provided, single submitter. Criteria: LabCorp Variant Classification Summary - May 2015. Collection method: clinical testing. Allele origin: germline.
Comment: Variant summary: ABCA4 c.71G>A (p.Arg24His) results in a non-conservative amino acid change in the encoded protein sequence. Algorithms developed to predict the effect of missense changes on protein structure and function all suggest that this variant is likely to be disruptive. The variant allele was found at a frequency of 6.7e-05 in 1613844 control chromosomes. This frequency is not significantly higher than estimated for disease-causing variants in ABCA4, allowing no conclusion about variant significance. c.71G>A has been observed in multiple individuals affected with Stargardt Disease, including two pairs of compound heterozygous siblings from an affected family where it segregated with disease (e.g. Lewis_1999, Sun_2021, Liu_2025). These data indicate that the variant is very likely to be associated with disease. To our knowledge, no experimental evidence demonstrating an impact on protein function has been reported. ClinVar contains an entry for this variant (Variation ID: 99498). Based on the evidence outlined above, the variant was classified as pathogenic.

Genetics Laboratory, Great Ormond Street Hospital NHS Foundation Trust, North Thames Genomic Laboratory Hub
Classification: Likely pathogenic for Retinal disorders. Last evaluated: 2026-03-18. Review status: criteria provided, single submitter. Criteria: ACGS Best Practice Guidelines for Variant Classification in Rare Disease 2024 v1.2. Collection method: clinical testing. Allele origin: germline. Affected: yes.
Comment: PP3_supporting, PM5_moderate, PM3_strong, PP4_supporting

PreventionGenetics, part of Exact Sciences
Classification: Pathogenic for ABCA4-related condition. Last evaluated: 2026-03-05. Review status: criteria provided, single submitter. Criteria: ACMG Guidelines, 2015. Collection method: clinical testing. Allele origin: germline.
Comment: The ABCA4 c.71G>A variant is predicted to result in the amino acid substitution p.Arg24His. This variant has been reported many times in individuals with ABCA4-related autosomal recessive retinal disease (see for examples: Table S2, Sung et al. 2020. PubMed ID: 33261146; Lynn et al. 2022. PubMed ID: 36672815; Table S1, Lin et al. 2024. PubMed ID: 38219857). This variant is present in 0.16% of alleles in individuals of East Asian descent in gnomAD, indicating it is relatively common in this population. In Malay populations, this variant appears to be causative only when found in cis with other causative variants (forming a complex allele) or when in trans to a null allele (Su et al. 2025. PubMed ID: 40101946). This variant has been classified as pathogenic and likely pathogenic by multiple independent submitters to the ClinVar database (Variation ID: 99498). Given the evidence, we interpret this variant as pathogenic.

Labcorp Genetics (formerly Invitae), Labcorp
Classification: Pathogenic. Last evaluated: 2025-12-14. Review status: criteria provided, single submitter. Criteria: Invitae Variant Classification Sherloc (09022015). Collection method: clinical testing. Allele origin: germline.
Comment: This sequence change replaces arginine, which is basic and polar, with histidine, which is basic and polar, at codon 24 of the ABCA4 protein (p.Arg24His). This variant is present in population databases (rs62645958, gnomAD 0.1%). This missense change has been observed in individuals with retinopathy (PMID: 9973280, 27820952, 31015497). ClinVar contains an entry for this variant (Variation ID: 99498). Invitae Evidence Modeling of protein sequence and biophysical properties (such as structural, functional, and spatial information, amino acid conservation, physicochemical variation, residue mobility, and thermodynamic stability) indicates that this missense variant is expected to disrupt ABCA4 protein function with a positive predictive value of 95%. This variant disrupts the p.Arg24 amino acid residue in ABCA4. Other variant(s) that disrupt this residue have been determined to be pathogenic (PMID: 15494742, 28559085, 29162642, 30093795). This suggests that this residue is clinically significant, and that variants that disrupt this residue are likely to be disease-causing. For these reasons, this variant has been classified as Pathogenic.

Genomic Medicine Center of Excellence, King Faisal Specialist Hospital and Research Centre
Classification: Pathogenic for Severe early-childhood-onset retinal dystrophy. Last evaluated: 2025-09-10. Review status: criteria provided, single submitter. Criteria: ACMG Guidelines, 2015. Collection method: clinical testing. Allele origin: germline.

First Genomix Gene Laboratory, Genetic Diagnostics Department
Classification: Pathogenic for Cone-rod dystrophy 3; Severe early-childhood-onset retinal dystrophy; Retinitis pigmentosa 19. Last evaluated: 2025-08-05. Review status: criteria provided, single submitter. Criteria: ACMG Guidelines, 2015. Collection method: clinical testing. Allele origin: germline. Inheritance: Autosomal recessive inheritance. Affected: no. Observed: 1 variant allele.

Revvity Omics, Revvity
Classification: Likely pathogenic. Last evaluated: 2025-04-18. Review status: criteria provided, single submitter. Criteria: ACMG Guidelines, 2015. Collection method: clinical testing. Allele origin: germline.

SingHealth Duke-NUS Institute of Precision Medicine
Classification: Likely pathogenic for Severe early-childhood-onset retinal dystrophy. Last evaluated: 2025-02-05. Review status: criteria provided, single submitter. Criteria: PRISM ACMG Classification Criteria. Collection method: clinical testing. Allele origin: germline. Affected: yes.
Comment: Variant is located in a mutational hotspot where >50% of variants are pathogenic (PM1) + Homozygous allele count is less than 0 in gnomAD exomes and genomes (PM2). Other variant at this amino acid residue has been classified as pathogenic (PM5, p.Arg24Gly). REVEL score 0.811 (PP3_mod)

Blueprint Genetics
Classification: Pathogenic for ABCA4-related disorders. Last evaluated: 2024-06-21. Review status: criteria provided, single submitter. Criteria: ACMG Guidelines, 2015. Collection method: clinical testing. Allele origin: germline. Affected: yes. Observed: 5 variant alleles.

3billion
Classification: Pathogenic for Retinitis pigmentosa 19. Last evaluated: 2023-12-19. Review status: criteria provided, single submitter. Criteria: ACMG Guidelines, 2015. Collection method: clinical testing. Allele origin: germline. Affected: yes.
Comment: The variant is observed at an extremely low frequency in the gnomAD v2.1.1 dataset (total allele frequency: 0.018%). Predicted Consequence/Location: Missense variant In silico tool predictions suggest damaging effect of the variant on gene or gene product [REVEL: 0.81 (>=0.6, sensitivity 0.68 and specificity 0.92)]. Same nucleotide change resulting in same amino acid change (ClinVar ID: VCV000099498 /PMID: 9973280)and different missense changes at the same codon (p.Arg24Cys, p.Arg24Gly / ClinVar ID: VCV000099497, VCV000857107 / PMID: 15494742) have been previously reported as pathogenic/likely pathogenic with strong evidence. The variant has been reported to be in trans with a pathogenic variant as either compound heterozygous or homozygous in at least 2 similarly affected unrelated individuals (PMID: 9973280). Therefore, this variant is classified as Pathogenic according to the recommendation of ACMG/AMP guideline.

NM_000350.3(ABCA4):c.71G>A (p.Arg24His)

Gene: ABCA4 (ATP binding cassette subfamily A member 4; minus strand). Cytogenetic location: 1p22.1.
Variant type: single nucleotide variant.
Coding change: c.71G>A on transcript NM_000350.3 (MANE Select); coding-DNA position 71, G replaced by A.
Protein change: p.Arg24His; replaces arginine 24 with histidine.
Molecular consequence: missense variant.
Genome position (GRCh38, 1-based): chr1:94,113,062, C>T on the plus strand (G>A on the coding strand, the complement: ABCA4 is on the minus strand). VCF-style: chr1-94113062-C-T. GRCh37 (hg19) VCF-style: chr1-94578618-C-T.
Other names: c.71G>A, p.Arg24His (NM_001425324.1); short protein forms R24H.
Identifiers: ClinVar variation 99498 (VCV000099498.37), dbSNP rs62645958, ClinGen allele CA227449.
Genomic context (GRCh38, chr1:94,113,062, plus strand): 5'-TTCCTTAACCAGATCAAGACCAGAAATAAAGATAAAGGCCACACGAGTTCCACCACAAAG[C>T]GAATCTGGAAAAACAAAACAAAAAGAGAGAAAGTTCAGTGGTGCTAAGAGATTATAGAAA-3'
Protein context (NP_000341.2, residues 14-34): NWTLRKRQKI[Arg24His]FVVELVWPLS